The following is an entry in ClinVar:

ClinVar aggregate classification (germline): Conflicting classifications of pathogenicity. Review status: criteria provided, conflicting classifications (1 of 4 stars). 8 submissions from 8 submitters: Uncertain significance (5); Likely benign (2). 1 of the submissions does not count toward it. Last evaluated 2025-10-29.

Conditions:
Hereditary breast ovarian cancer syndrome. Also called: Hereditary breast and ovarian cancer syndrome; Hereditary breast and ovarian cancer syndrome (HBOC); BRCA1- and BRCA2-Associated Hereditary Breast and Ovarian Cancer; Breast and ovarian cancer; Hereditary breast and ovarian cancer; Hereditary breast and/or ovarian cancer syndrome. Identifiers: Orphanet 145, MedGen C0677776, MeSH D061325, MONDO:0003582. Disease mechanism: loss of function.
Pancreatic cancer, susceptibility to, 4. Identifiers: Orphanet 1333, MedGen C3280442, MONDO:0013685, OMIM 614320.
Fanconi anemia, complementation group S (FANCS). Identifiers: MedGen C4554406, MONDO:0054748, OMIM 617883.
Breast-ovarian cancer, familial, susceptibility to, 1 (BROVCA1). Also called: OVARIAN CANCER, SUSCEPTIBILITY TO; BRCA1 Hereditary Breast and Ovarian Cancer. Identifiers: Orphanet 145, MedGen C2676676, MONDO:0011450, OMIM 604370. Disease mechanism: loss of function.
Hereditary cancer-predisposing syndrome. Also called: Hereditary Cancer Syndrome; Hereditary neoplastic syndrome; Tumor predisposition; Neoplastic Syndromes, Hereditary. Identifiers: Orphanet 140162, MedGen C0027672, MeSH D009386, MONDO:0015356.

gnomAD v4.1: 3 of 1,613,802 alleles (0.00019%); highest among the groups gnomAD compares: Middle Eastern, 0.033%; no homozygotes.

Submissions (8):

Labcorp Genetics (formerly Invitae), Labcorp
Classification: Uncertain significance for Hereditary breast ovarian cancer syndrome. Last evaluated: 2025-10-29. Review status: criteria provided, single submitter. Criteria: Invitae Variant Classification Sherloc (09022015). Collection method: clinical testing. Allele origin: germline.
Comment: This sequence change replaces valine, which is neutral and non-polar, with leucine, which is neutral and non-polar, at codon 740 of the BRCA1 protein (p.Val740Leu). This variant is not present in population databases (gnomAD no frequency). This missense change has been observed in individual(s) with breast cancer (PMID: 17221156). ClinVar contains an entry for this variant (Variation ID: 185481). Invitae Evidence Modeling of protein sequence and biophysical properties (such as structural, functional, and spatial information, amino acid conservation, physicochemical variation, residue mobility, and thermodynamic stability) indicates that this missense variant is not expected to disrupt BRCA1 protein function with a negative predictive value of 80%. In summary, the available evidence is currently insufficient to determine the role of this variant in disease. Therefore, it has been classified as a Variant of Uncertain Significance.

Ambry Genetics
Classification: Uncertain significance for Hereditary cancer-predisposing syndrome. Last evaluated: 2025-10-10. Review status: criteria provided, single submitter. Criteria: Ambry Variant Classification Scheme 2023. Collection method: clinical testing. Allele origin: germline.
Comment: The p.V740L variant (also known as c.2218G>T), located in coding exon 9 of the BRCA1 gene, results from a G to T substitution at nucleotide position 2218. The valine at codon 740 is replaced by leucine, an amino acid with highly similar properties. A similar alteration, c.2218G>C, leading to the same amino acid change (p.V740L) has been reported in 1/650 Sicilian breast and/or ovarian cancer patients (Russo A et al. Breast Cancer Res. Treat., 2007 Nov;105:267-76). This amino acid position is not well conserved in available vertebrate species, and leucine is the reference amino acid in other vertebrate species. In addition, this alteration is predicted to be tolerated by in silico analysis. Since supporting evidence is limited at this time, the clinical significance of this alteration remains unclear.

Blueprint Genetics
Classification: Likely benign. Last evaluated: 2024-06-07. Review status: criteria provided, single submitter. Criteria: ACMG Guidelines, 2015. Collection method: clinical testing. Allele origin: germline.

Fulgent Genetics
Classification: Uncertain significance for Breast-ovarian cancer, familial, susceptibility to, 1; Pancreatic cancer, susceptibility to, 4; Fanconi anemia, complementation group S. Last evaluated: 2024-03-13. Review status: criteria provided, single submitter. Criteria: ACMG Guidelines, 2015. Collection method: clinical testing. Allele origin: germline.

Color Diagnostics, LLC DBA Color Health
Classification: Uncertain significance for Hereditary cancer-predisposing syndrome. Last evaluated: 2023-08-30. Review status: criteria provided, single submitter. Criteria: ACMG Guidelines, 2015. Collection method: clinical testing. Allele origin: germline.
Comment: This missense variant replaces valine with leucine at codon 740 of the BRCA1 protein. Computational prediction suggests that this variant may not impact protein structure and function (internally defined REVEL score threshold <= 0.5, PMID: 27666373). To our knowledge, functional studies have not been reported for this variant. The same protein substitution caused by a different nucleotide change, c.2218G>C, has been reported in an individual affected with breast cancer (PMID: 17221156, 35150867). This variant has not been identified in the general population by the Genome Aggregation Database (gnomAD). The available evidence is insufficient to determine the role of this variant in disease conclusively. Therefore, this variant is classified as a Variant of Uncertain Significance.

University of Washington Department of Laboratory Medicine, University of Washington
Classification: Likely benign for Hereditary cancer-predisposing syndrome. Last evaluated: 2023-03-23. Review status: criteria provided, single submitter. Criteria: Dines et al. (Genet Med. 2020). Collection method: curation. Allele origin: germline.
Comment: Missense variant in a coldspot region where missense variants are very unlikely to be pathogenic (PMID:31911673).

BRCA1 coldspot (exon 11 using historical exon numbering). Reclassification based on statistical prior probability

Women's Health and Genetics/Laboratory Corporation of America, LabCorp
Classification: Uncertain significance. Last evaluated: 2021-03-07. Review status: criteria provided, single submitter. Criteria: LabCorp Variant Classification Summary - May 2015. Collection method: clinical testing. Allele origin: germline.
Comment: Variant summary: BRCA1 c.2218G>T (p.Val740Leu) results in a conservative amino acid change in the encoded protein sequence. Five of five in-silico tools predict a benign effect of the variant on protein function. The variant was absent in 250964 control chromosomes. The available data on variant occurrences in the general population are insufficient to allow any conclusion about variant significance. c.2218G>T has been reported in the literature in at-least one individual affected with Hereditary Breast Cancer (example, Russo_2007). These report(s) do not provide unequivocal conclusions about association of the variant with Hereditary Breast And Ovarian Cancer Syndrome. To our knowledge, no experimental evidence demonstrating an impact on protein function has been reported. Three clinical diagnostic laboratories have submitted clinical-significance assessments for this variant to ClinVar after 2014 without evidence for independent evaluation. All laboratories classified the variant as uncertain significance citing overlapping evidence utilized in the context of this evaluation. Based on the evidence outlined above, the variant was classified as uncertain significance.

Counsyl
Classification: Uncertain significance for Breast-ovarian cancer, familial, susceptibility to, 1. Last evaluated: 2017-08-11. Review status: no assertion criteria provided. Collection method: clinical testing. Allele origin: unknown. Not counted in ClinVar's aggregate classification.

Literature cited by the submitters: PubMed 17221156 (cited by 5 submitters); PubMed 7221156 (cited by Ambry Genetics); PubMed 35150867 (cited by Color Diagnostics, LLC DBA Color Health).

NM_007294.4(BRCA1):c.2218G>T (p.Val740Leu)

Gene: BRCA1 (BRCA1 DNA repair associated; minus strand). Cytogenetic location: 17q21.31.
Variant type: single nucleotide variant.
Coding change: c.2218G>T on transcript NM_007294.4 (MANE Select); coding-DNA position 2218, G replaced by T.
Protein change: p.Val740Leu; replaces valine 740 with leucine.
Molecular consequence: missense variant. On other transcripts: intron variant (137).
Genome position (GRCh38, 1-based): chr17:43,093,313, C>A on the plus strand (G>T on the coding strand, the complement: BRCA1 is on the minus strand). VCF-style: chr17-43093313-C-A. GRCh37 (hg19) VCF-style: chr17-41245330-C-A.
Other names: c.2014G>T, p.Val672Leu (NM_001407874.1, NM_001407875.1); c.2005G>T, p.Val669Leu (NM_001407895.1, NM_001407896.1, NM_001407897.1 and 9 more transcripts); c.2008G>T, p.Val670Leu (NM_001407900.1, NM_001407902.1, NM_001407904.1 and 13 more transcripts); c.1954G>T, p.Val652Leu (NM_001407921.1, NM_001407922.1, NM_001407923.1 and 9 more transcripts); c.1951G>T, p.Val651Leu (NM_001407930.1, NM_001407931.1, NM_001407932.1 and 2 more transcripts); c.2092G>T, p.Val698Leu (NM_001407940.1, NM_001407941.1, NM_001407649.1 and 11 more transcripts); c.2077G>T, p.Val693Leu (NM_001407942.1, NM_001407944.1, NM_001407945.1 and 29 more transcripts); c.2074G>T, p.Val692Leu (NM_001407943.1, NM_001407964.1, NM_001407740.1 and 20 more transcripts); and 41 more; short protein forms V740L, V693L, V444L, V572L, V629L, V699L, V714L, V737L.
Identifiers: ClinVar variation 185481 (VCV000185481.24), dbSNP rs80357415, ClinGen allele CA001489.